The following is an entry in ClinVar:

ClinVar aggregate classification (germline): Uncertain significance. Review status: criteria provided, multiple submitters, no conflicts (2 of 4 stars). 2 submissions from 2 submitters: Uncertain significance (2). Last evaluated 2024-11-24.

Conditions:
Inborn genetic diseases. Identifiers: MedGen C0950123, MeSH D030342.

Allele frequency attached by ClinVar (database versions not stated): ExAC 0.00003.
gnomAD v4.1: 80 of 1,613,152 alleles (0.005%); highest among the groups gnomAD compares: Non-Finnish European, 0.0063%; no homozygotes.

Submissions (2):

Ambry Genetics
Classification: Uncertain significance for Inborn genetic diseases. Last evaluated: 2024-11-24. Review status: criteria provided, single submitter. Criteria: Ambry Variant Classification Scheme 2023. Collection method: clinical testing. Allele origin: germline.
Comment: The p.T89S variant (also known as c.266C>G), located in coding exon 3 of the SBDS gene, results from a C to G substitution at nucleotide position 266. The threonine at codon 89 is replaced by serine, an amino acid with similar properties. This amino acid position is conserved. In addition, this alteration is predicted to be tolerated by in silico analysis. Since supporting evidence is limited at this time, the clinical significance of this alteration remains unclear.

Blueprint Genetics
Classification: Uncertain significance. Last evaluated: 2024-10-24. Review status: criteria provided, single submitter. Criteria: ACMG Guidelines, 2015. Collection method: clinical testing. Allele origin: germline.

NM_016038.4(SBDS):c.266C>G (p.Thr89Ser)

Gene: SBDS (SBDS ribosome maturation factor; minus strand). Cytogenetic location: 7q11.21.
Variant type: single nucleotide variant.
Coding change: c.266C>G on transcript NM_016038.4 (MANE Select); coding-DNA position 266, C replaced by G.
Protein change: p.Thr89Ser; replaces threonine 89 with serine.
Molecular consequence: missense variant.
Genome position (GRCh38, 1-based): chr7:66,993,410, G>C on the plus strand (C>G on the coding strand, the complement: SBDS is on the minus strand). VCF-style: chr7-66993410-G-C. GRCh37 (hg19) VCF-style: chr7-66458397-G-C.
Other names: short protein forms T89S.
Identifiers: ClinVar variation 1794536 (VCV001794536.4), dbSNP rs767695678, ClinGen allele CA4279191.
Genomic context (GRCh38, chr7:66,993,410, plus strand): 5'-CTAAACATCTGCTCCAGTTGTGTGTGTCTTTCTTTATCTGATACTTGAACTTCTCCTTTA[G>C]TCAAAATCTAAAAAAATGCCAACACATTTAAGAAATCACTATCTTTCTCTATCACACACT-3'
Protein context (NP_057122.2, residues 79-99): DQTEICKQIL[Thr89Ser]KGEVQVSDKE